The following is an entry in ClinVar:

ClinVar aggregate classification (germline): Pathogenic (1 of 4 stars; one submission).

Submission:

Labcorp Genetics (formerly Invitae), Labcorp
Classification: Pathogenic. Last evaluated: 2020-11-12. Review status: criteria provided, single submitter. Criteria: Invitae Variant Classification Sherloc (09022015). Collection method: clinical testing. Allele origin: germline.
Comment: For these reasons, this variant has been classified as Pathogenic. This variant has not been reported in the literature in individuals with COL4A5-related conditions. This variant is not present in population databases (ExAC no frequency). This sequence change creates a premature translational stop signal (p.Gly840*) in the COL4A5 gene. It is expected to result in an absent or disrupted protein product. Loss-of-function variants in COL4A5 are known to be pathogenic (PMID: 9195222, 10752524, 14514738, 24854265, 26809805).

Literature cited by the submitters: PubMed 9195222; PubMed 10752524; PubMed 14514738; PubMed 24854265; PubMed 26809805.

NM_033380.3(COL4A5):c.2518G>T (p.Gly840Ter)

Gene: COL4A5 (collagen type IV alpha 5 chain; plus strand). Cytogenetic location: Xq22.3.
Variant type: single nucleotide variant.
Coding change: c.2518G>T on transcript NM_033380.3 (MANE Select); coding-DNA position 2518, G replaced by T.
Protein change: p.Gly840Ter; replaces glycine 840 with a stop codon.
Molecular consequence: nonsense.
Genome position (GRCh38, 1-based): chrX:108,620,267, G>T. VCF-style: chrX-108620267-G-T. GRCh37 (hg19) VCF-style: chrX-107863497-G-T.
Other names: c.2518G>T, p.Gly840Ter (NM_000495.5); short protein forms G840*.
Identifiers: ClinVar variation 1456266 (VCV001456266.6), dbSNP rs2147859836, ClinGen allele CA413851260.
Genomic context (GRCh38, chrX:108,620,267, plus strand): 5'-CATCTTTTAAAACTGCTTCAGTACTTATTAATATTGATATTGTATTAACTAGGTTTACAT[G>T]GAATACCAGGAGAGAAGGGGGATCCAGGACCTCCTGGACTTGATGTTCCAGGACCCCCAG-3'